The following is an entry in ClinVar:

NM_002693.3(POLG):c.94G>A (p.Ala32Thr)

Genes: POLG (DNA polymerase gamma, catalytic subunit; minus strand), POLGARF (POLG alternative reading frame; minus strand). Cytogenetic location: 15q26.1.
Variant type: single nucleotide variant.
Coding change: c.94G>A on transcript NM_002693.3 (MANE Select); coding-DNA position 94, G replaced by A.
Protein change: p.Ala32Thr; replaces alanine 32 with threonine.
Molecular consequence: missense variant.
Genome position (GRCh38, 1-based): chr15:89,333,661, C>T on the plus strand (G>A on the coding strand, the complement: POLG is on the minus strand). VCF-style: chr15-89333661-C-T. GRCh37 (hg19) VCF-style: chr15-89876892-C-T.
Other names: c.94G>A, p.Ala32Thr (NM_001126131.2); short protein forms A32T.
Identifiers: ClinVar variation 3000540 (VCV003000540.3), dbSNP rs748448370, ClinGen allele CA7725208.
Genomic context (GRCh38, chr15:89,333,661, plus strand): 5'-GCTGCTGCTGCTGCTGCTGCTGCTGCTGCCGCCGCCGCTGCCCGTCGCTGGGGTCGGACG[C>T]GGGGACGGAGCTGGAGACCCAGCGCCCCGGAGCTGGAACCGGCCCTGGCCCGACGGTGGC-3'
Protein context (NP_002684.1, residues 22-42): PGRWVSSSVP[Ala32Thr]SDPSDGQRRR

ClinVar aggregate classification (germline): Uncertain significance (1 of 4 stars; one submission).

Conditions:
Progressive sclerosing poliodystrophy (MTDPS4A). Also called: Mitochondrial DNA Depletion Syndrome 4A; ALPERS PROGRESSIVE INFANTILE POLIODYSTROPHY; NEURONAL DEGENERATION OF CHILDHOOD WITH LIVER DISEASE, PROGRESSIVE; Mitochondrial DNA depletion syndrome 4A (Alpers type); Alpers Syndrome; ALPERS DIFFUSE DEGENERATION OF CEREBRAL GRAY MATTER WITH HEPATIC CIRRHOSIS. Identifiers: Orphanet 726, MedGen C0205710, MONDO:0008758, OMIM 203700.

Allele frequency attached by ClinVar (database versions not stated): gnomAD exomes 0.00001.
gnomAD v4.1: 11 of 1,567,198 alleles (0.0007%); highest among the groups gnomAD compares: Non-Finnish European, 0.00086%; no homozygotes.

Submission:

Labcorp Genetics (formerly Invitae), Labcorp
Classification: Uncertain significance for Progressive sclerosing poliodystrophy. Last evaluated: 2023-10-03. Review status: criteria provided, single submitter. Criteria: Invitae Variant Classification Sherloc (09022015). Collection method: clinical testing. Allele origin: germline.
Comment: This sequence change replaces alanine, which is neutral and non-polar, with threonine, which is neutral and polar, at codon 32 of the POLG protein (p.Ala32Thr). This variant is not present in population databases (gnomAD no frequency). This variant has not been reported in the literature in individuals affected with POLG-related conditions. Advanced modeling of protein sequence and biophysical properties (such as structural, functional, and spatial information, amino acid conservation, physicochemical variation, residue mobility, and thermodynamic stability) performed at Invitae indicates that this missense variant is not expected to disrupt POLG protein function. In summary, the available evidence is currently insufficient to determine the role of this variant in disease. Therefore, it has been classified as a Variant of Uncertain Significance.